The following is an entry in ClinVar:

NM_000350.3(ABCA4):c.4228T>G (p.Tyr1410Asp)

Gene: ABCA4 (ATP binding cassette subfamily A member 4; minus strand). Cytogenetic location: 1p22.1.
Variant type: single nucleotide variant.
Coding change: c.4228T>G on transcript NM_000350.3 (MANE Select); coding-DNA position 4228, T replaced by G.
Protein change: p.Tyr1410Asp; replaces tyrosine 1410 with aspartic acid.
Molecular consequence: missense variant.
Genome position (GRCh38, 1-based): chr1:94,031,021, A>C on the plus strand (T>G on the coding strand, the complement: ABCA4 is on the minus strand). VCF-style: chr1-94031021-A-C. GRCh37 (hg19) VCF-style: chr1-94496577-A-C.
Other names: c.4006T>G, p.Tyr1336Asp (NM_001425324.1); short protein forms Y1410D, Y1336D.
Identifiers: ClinVar variation 971817 (VCV000971817.10), dbSNP rs1660186211, ClinGen allele CA341286120.
Genomic context (GRCh38, chr1:94,031,021, plus strand): 5'-CCACAGAGGAGAATGGTGACCCCGAGTCCGCGCACCTGAAGAAGGTGTACTGCTGCCCAT[A>C]TATCCAGGGGTGAAGGGTCAAAGCGGGGTATTCGCCAAAAGGAGGGATAACAATAGAAAG-3'
Protein context (NP_000341.2, residues 1400-1420): YPALTLHPWI[Tyr1410Asp]GQQYTFFSMD

ClinVar aggregate classification (germline): Uncertain significance. Review status: criteria provided, multiple submitters, no conflicts (2 of 4 stars). 2 submissions from 2 submitters: Uncertain significance (2). Last evaluated 2022-02-23.

Submissions (2):

Labcorp Genetics (formerly Invitae), Labcorp
Classification: Uncertain significance. Last evaluated: 2022-02-23. Review status: criteria provided, single submitter. Criteria: Invitae Variant Classification Sherloc (09022015). Collection method: clinical testing. Allele origin: germline.
Comment: In summary, the available evidence is currently insufficient to determine the role of this variant in disease. Therefore, it has been classified as a Variant of Uncertain Significance. This sequence change replaces tyrosine, which is neutral and polar, with aspartic acid, which is acidic and polar, at codon 1410 of the ABCA4 protein (p.Tyr1410Asp). This variant is not present in population databases (gnomAD no frequency). This variant has not been reported in the literature in individuals affected with ABCA4-related conditions. ClinVar contains an entry for this variant (Variation ID: 971817). Advanced modeling of protein sequence and biophysical properties (such as structural, functional, and spatial information, amino acid conservation, physicochemical variation, residue mobility, and thermodynamic stability) performed at Invitae indicates that this missense variant is expected to disrupt ABCA4 protein function. Algorithms developed to predict the effect of sequence changes on RNA splicing suggest that this variant may create or strengthen a splice site.

Blueprint Genetics
Classification: Uncertain significance. Last evaluated: 2019-11-05. Review status: criteria provided, single submitter. Criteria: ACMG Guidelines, 2015. Collection method: clinical testing. Allele origin: germline.